The following is an entry in ClinVar:

ClinVar aggregate classification (germline): Likely benign (1 of 4 stars; one submission).

Conditions:
MAP3K14-related disorder. Also called: MAP3K14-related condition.

Submission:

PreventionGenetics, part of Exact Sciences
Classification: Likely benign for MAP3K14-related condition. Last evaluated: 2019-04-02. Review status: criteria provided, single submitter. Criteria: ACMG Guidelines, 2015. Collection method: clinical testing. Allele origin: germline.
Comment: This variant is classified as likely benign based on ACMG/AMP sequence variant interpretation guidelines (Richards et al. 2015 PMID: 25741868, with internal and published modifications).

NM_003954.5(MAP3K14):c.1890C>G (p.Ile630Met)

Gene: MAP3K14 (mitogen-activated protein kinase kinase kinase 14; minus strand). Cytogenetic location: 17q21.31.
Variant type: single nucleotide variant.
Coding change: c.1890C>G on transcript NM_003954.5 (MANE Select); coding-DNA position 1890, C replaced by G.
Protein change: p.Ile630Met; replaces isoleucine 630 with methionine.
Molecular consequence: missense variant.
Genome position (GRCh38, 1-based): chr17:45,270,495, G>C on the plus strand (C>G on the coding strand, the complement: MAP3K14 is on the minus strand). VCF-style: chr17-45270495-G-C. GRCh37 (hg19) VCF-style: chr17-43347862-G-C.
Other names: short protein forms I630M.
Identifiers: ClinVar variation 3049266 (VCV003049266.1), dbSNP rs2508980027, ClinGen allele CA399878830.